The following is an entry in ClinVar:

ClinVar aggregate classification (germline): Conflicting classifications of pathogenicity. Review status: criteria provided, conflicting classifications (1 of 4 stars). 2 submissions from 2 submitters: Uncertain significance (1); Likely benign (1). Last evaluated 2024-11-23.

Allele frequency attached by ClinVar (database versions not stated): gnomAD 0.00004 and 0.00007; gnomAD exomes 0.00005 and 0.00013; ExAC 0.00013; TOPMed 0.00018; 1000 Genomes Project 0.00040; 1000 Genomes Project 30x 0.00047.
gnomAD v4.1: 89 of 1,614,222 alleles (0.0055%); highest among the groups gnomAD compares: East Asian, 0.18%; no homozygotes.

Submissions (2):

Blueprint Genetics
Classification: Likely benign. Last evaluated: 2024-11-23. Review status: criteria provided, single submitter. Criteria: ACMG Guidelines, 2015. Collection method: clinical testing. Allele origin: germline.

Labcorp Genetics (formerly Invitae), Labcorp
Classification: Uncertain significance. Last evaluated: 2024-01-17. Review status: criteria provided, single submitter. Criteria: Invitae Variant Classification Sherloc (09022015). Collection method: clinical testing. Allele origin: germline.
Comment: This sequence change replaces alanine, which is neutral and non-polar, with threonine, which is neutral and polar, at codon 2125 of the GPR179 protein (p.Ala2125Thr). This variant is present in population databases (rs80145428, gnomAD 0.2%). This variant has not been reported in the literature in individuals affected with GPR179-related conditions. ClinVar contains an entry for this variant (Variation ID: 1524998). Algorithms developed to predict the effect of missense changes on protein structure and function output the following: SIFT: "Not Available"; PolyPhen-2: "Benign"; Align-GVGD: "Not Available". The threonine amino acid residue is found in multiple mammalian species, which suggests that this missense change does not adversely affect protein function. In summary, the available evidence is currently insufficient to determine the role of this variant in disease. Therefore, it has been classified as a Variant of Uncertain Significance.

NM_001004334.4(GPR179):c.6373G>A (p.Ala2125Thr)

Gene: GPR179 (G protein-coupled receptor 179; minus strand). Cytogenetic location: 17q12.
Variant type: single nucleotide variant.
Coding change: c.6373G>A on transcript NM_001004334.4 (MANE Select); coding-DNA position 6373, G replaced by A.
Protein change: p.Ala2125Thr; replaces alanine 2125 with threonine.
Molecular consequence: missense variant.
Genome position (GRCh38, 1-based): chr17:38,327,196, C>T on the plus strand (G>A on the coding strand, the complement: GPR179 is on the minus strand). VCF-style: chr17-38327196-C-T. GRCh37 (hg19) VCF-style: chr17-36483079-C-T.
Other names: short protein forms A2125T.
Identifiers: ClinVar variation 1524998 (VCV001524998.5), dbSNP rs80145428, ClinGen allele CA290102985.